The following is an entry in ClinVar:

NM_003919.3(SGCE):c.44G>C (p.Trp15Ser)

Gene: SGCE (sarcoglycan epsilon; minus strand). Cytogenetic location: 7q21.3.
Variant type: single nucleotide variant.
Coding change: c.44G>C on transcript NM_003919.3 (MANE Select); coding-DNA position 44, G replaced by C.
Protein change: p.Trp15Ser; replaces tryptophan 15 with serine.
Molecular consequence: missense variant. On other transcripts: 5 prime UTR variant (4).
Genome position (GRCh38, 1-based): chr7:94,656,055, C>G on the plus strand (G>C on the coding strand, the complement: SGCE is on the minus strand). VCF-style: chr7-94656055-C-G. GRCh37 (hg19) VCF-style: chr7-94285367-C-G.
Other names: c.44G>C, p.Trp15Ser (NM_001099400.2, NM_001099401.2, NM_001301139.2 and 4 more transcripts); c.-214G>C (NM_001346719.2); c.-292G>C (NM_001346720.2, NM_001362808.2); c.-220G>C (NM_001362807.2); short protein forms W15S.
Identifiers: ClinVar variation 3701867 (VCV003701867.2).

ClinVar aggregate classification (germline): Uncertain significance (1 of 4 stars; one submission).

Conditions:
Myoclonic dystonia 11 (DYT11). Also called: Myoclonic dystonia; Dystonia 11; Dystonia, alcohol responsive; Hereditary essential myoclonus; SGCE Myoclonus-Dystonia; Myoclonus-Dystonia. Identifiers: Orphanet 36899, MedGen C1834570, MONDO:0008044, OMIM 159900.

Submission:

Labcorp Genetics (formerly Invitae), Labcorp
Classification: Uncertain significance for Myoclonic dystonia 11. Last evaluated: 2025-02-24. Review status: criteria provided, single submitter. Criteria: Invitae Variant Classification Sherloc (09022015). Collection method: clinical testing. Allele origin: germline.
Comment: This sequence change replaces tryptophan, which is neutral and slightly polar, with serine, which is neutral and polar, at codon 15 of the SGCE protein (p.Trp15Ser). This variant is present in population databases (rs760330361, gnomAD 0.006%). This variant has not been reported in the literature in individuals affected with SGCE-related conditions. An algorithm developed to predict the effect of missense changes on protein structure and function (PolyPhen-2) suggests that this variant is likely to be tolerated. In summary, the available evidence is currently insufficient to determine the role of this variant in disease. Therefore, it has been classified as a Variant of Uncertain Significance.